The following is an entry in ClinVar:

NM_001376.5(DYNC1H1):c.8427G>A (p.Ala2809=)

Gene: DYNC1H1 (dynein cytoplasmic 1 heavy chain 1; plus strand). Cytogenetic location: 14q32.31.
Variant type: single nucleotide variant.
Coding change: c.8427G>A on transcript NM_001376.5 (MANE Select); coding-DNA position 8427, G replaced by A.
Protein change: p.Ala2809=; no amino-acid change (alanine 2809 retained).
Molecular consequence: synonymous variant.
Genome position (GRCh38, 1-based): chr14:102,019,976, G>A. VCF-style: chr14-102019976-G-A. GRCh37 (hg19) VCF-style: chr14-102486313-G-A.
Identifiers: ClinVar variation 415327 (VCV000415327.56), dbSNP rs534435923, ClinGen allele CA7353020.

ClinVar aggregate classification (germline): Likely benign. Review status: criteria provided, multiple submitters, no conflicts (2 of 4 stars). 4 submissions from 4 submitters: Likely benign (3). 1 of the submissions does not count toward it. Last evaluated 2025-07-28.

Conditions:
DYNC1H1-related disorder. Also called: DYNC1H1-related condition; DYNC1H1-related disorders. Identifiers: MedGen CN381529.
Charcot-Marie-Tooth disease axonal type 2O. Also called: Charcot-Marie-Tooth disease, axonal, type 20; CHARCOT-MARIE-TOOTH NEUROPATHY, AXONAL, TYPE 2O; CHARCOT-MARIE-TOOTH DISEASE, AXONAL, AUTOSOMAL DOMINANT, TYPE 2O; Charcot-Marie-Tooth Neuropathy Type 2O. Identifiers: Orphanet 284232, MedGen C3280220, MONDO:0013644, OMIM 614228.

Allele frequency attached by ClinVar (database versions not stated): ExAC 0.00002; gnomAD exomes 0.00003; TOPMed 0.00004; 1000 Genomes Project 30x 0.00031; 1000 Genomes Project 0.00040.
gnomAD v4.1: 29 of 1,614,174 alleles (0.0018%); highest among the groups gnomAD compares: African/African-American, 0.004%; no homozygotes.

Submissions (4):

Labcorp Genetics (formerly Invitae), Labcorp
Classification: Likely benign for Charcot-Marie-Tooth disease axonal type 2O. Last evaluated: 2025-07-28. Review status: criteria provided, single submitter. Criteria: Invitae Variant Classification Sherloc (09022015). Collection method: clinical testing. Allele origin: germline.

Blueprint Genetics
Classification: Likely benign. Last evaluated: 2024-05-28. Review status: criteria provided, single submitter. Criteria: ACMG Guidelines, 2015. Collection method: clinical testing. Allele origin: germline.

CeGaT Center for Human Genetics Tuebingen
Classification: Likely benign. Last evaluated: 2019-05-01. Review status: criteria provided, single submitter. Criteria: CeGaT Center For Human Genetics Tuebingen Variant Classification Criteria Version 2. Collection method: clinical testing. Allele origin: germline. Affected: yes. Observed: 3 variant alleles.

PreventionGenetics, part of Exact Sciences
Classification: Likely benign for DYNC1H1-related condition. Last evaluated: 2021-01-28. Review status: no assertion criteria provided. Collection method: clinical testing. Allele origin: germline. Not counted in ClinVar's aggregate classification.
Comment: This variant is classified as likely benign based on ACMG/AMP sequence variant interpretation guidelines (Richards et al. 2015 PMID: 25741868, with internal and published modifications).